The following is an entry in ClinVar:

NM_002968.3(SALL1):c.61C>A (p.Leu21Ile)

Gene: SALL1 (spalt like transcription factor 1; minus strand). Cytogenetic location: 16q12.1.
Variant type: single nucleotide variant.
Coding change: c.61C>A on transcript NM_002968.3 (MANE Select); coding-DNA position 61, C replaced by A.
Protein change: p.Leu21Ile; replaces leucine 21 with isoleucine.
Molecular consequence: missense variant.
Genome position (GRCh38, 1-based): chr16:51,151,181, G>T on the plus strand (C>A on the coding strand, the complement: SALL1 is on the minus strand). VCF-style: chr16-51151181-G-T. GRCh37 (hg19) VCF-style: chr16-51185092-G-T.
Other names: short protein forms L21I.
Identifiers: ClinVar variation 1915415 (VCV001915415.5), dbSNP rs2143479380, ClinGen allele CA395879304.

ClinVar aggregate classification (germline): Uncertain significance (1 of 4 stars; one submission).

Conditions:
Townes syndrome (TBS). Also called: Townes-Brocks syndrome. Identifiers: Orphanet 857, MedGen C0265246, MeSH C536974, MONDO:0007142.

Submission:

Labcorp Genetics (formerly Invitae), Labcorp
Classification: Uncertain significance for Townes syndrome. Last evaluated: 2022-09-02. Review status: criteria provided, single submitter. Criteria: Invitae Variant Classification Sherloc (09022015). Collection method: clinical testing. Allele origin: germline.
Comment: This sequence change replaces leucine, which is neutral and non-polar, with isoleucine, which is neutral and non-polar, at codon 21 of the SALL1 protein (p.Leu21Ile). In summary, the available evidence is currently insufficient to determine the role of this variant in disease. Therefore, it has been classified as a Variant of Uncertain Significance. Algorithms developed to predict the effect of missense changes on protein structure and function are either unavailable or do not agree on the potential impact of this missense change (SIFT: "Tolerated"; PolyPhen-2: "Possibly Damaging"; Align-GVGD: "Class C0"). This variant has not been reported in the literature in individuals affected with SALL1-related conditions. This variant is not present in population databases (gnomAD no frequency).